The following is an entry in ClinVar:

NM_170665.4(ATP2A2):c.1655dup (p.Gly552_Ser553insTer)

Gene: ATP2A2 (ATPase sarcoplasmic/endoplasmic reticulum Ca2+ transporting 2; plus strand). Cytogenetic location: 12q24.11.
Variant type: Duplication.
Coding change: c.1655dup on transcript NM_170665.4 (MANE Select); coding-DNA position 1655, one base duplicated (G; older notation c.1655dupG).
Protein change: p.Gly552_Ser553insTer.
Molecular consequence: frameshift variant.
Genome position (GRCh38, 1-based): chr12:110,339,615, G duplicated; the last of 4 consecutive G bases (chr12:110,339,612-110,339,615); duplicating any one gives the same sequence. VCF-style (leftmost placement, unchanged base first): chr12-110339611-T-TG. GRCh37 (hg19) VCF-style: chr12-110777416-T-TG.
Other names: c.1550dup, p.Gly517_Ser518insTer (NM_001413013.1); c.1655dup, p.Gly552_Ser553insTer (NM_001413014.1, NM_001681.4); c.1280dup, p.Gly427_Ser428insTer (NM_001413015.1).
Identifiers: ClinVar variation 3359248 (VCV003359248.2).
Genomic context (GRCh38, chr12:110,339,611, plus strand): 5'-AGTACTAAGGTTCCTATGACCTCTGGAGTCAAACAGAAGATCATGTCTGTCATTCGAGAG[T>TG]GGGGTAGTGGCAGCGACACACTGCGATGCCTGGCCCTGGCCACTCATGACAACCCACTGA-3'

ClinVar aggregate classification (germline): Likely pathogenic (0 of 4 stars; one submission).

Conditions:
Keratosis follicularis (DAR). Also called: Darier disease; Darier's disease. Identifiers: Orphanet 218, MedGen C0022595, MONDO:0007417, OMIM 124200.

Submission:

Medical Genetics Unit, Mauro Baschirotto Institute for Rare Disease
Classification: Likely pathogenic for Keratosis follicularis. Last evaluated: 2024-06-07. Review status: no assertion criteria provided. Collection method: provider interpretation. Allele origin: germline. Affected: yes. Observed: 1 variant allele.
Comment: The c.1655dup variant has not been published as a pathogenic variant, nor has it been reported as a benign variant to our knowledge. This variant occurs in N-domain. This variant creates a premature translational stop signal (p.Ser553*), expected to result in an absent or disrupted protein product either through protein truncation or nonsense-mediated mRNA decay. To our knowledge, this variant has not been reported in the literature or in a large population database, indicating this variant is rare. According to Franklin by genoox ACMG classification this nonsense mutation results in a loss of function which is a known mechanism of disease (PVS1 very strong). Therefore, this variant is classified likely pathogenic.